The following is an entry in ClinVar:

NM_000071.3(CBS):c.638A>G (p.Glu213Gly)

Gene: CBS (cystathionine beta-synthase; minus strand). Cytogenetic location: 21q22.3.
Variant type: single nucleotide variant.
Coding change: c.638A>G on transcript NM_000071.3 (MANE Select); coding-DNA position 638, A replaced by G.
Protein change: p.Glu213Gly; replaces glutamic acid 213 with glycine.
Molecular consequence: missense variant.
Genome position (GRCh38, 1-based): chr21:43,065,415, T>C on the plus strand (A>G on the coding strand, the complement: CBS is on the minus strand). VCF-style: chr21-43065415-T-C. GRCh37 (hg19) VCF-style: chr21-44485525-T-C.
Other names: c.638A>G, p.Glu213Gly (NM_001178008.3, NM_001178009.3, NM_001320298.2); c.323A>G, p.Glu108Gly (NM_001321072.1); short protein forms E108G, E213G.
Identifiers: ClinVar variation 2915307 (VCV002915307.4), dbSNP rs1481588195, ClinGen allele CA410600837.

ClinVar aggregate classification (germline): Uncertain significance. Review status: criteria provided, multiple submitters, no conflicts (2 of 4 stars). 2 submissions from 2 submitters: Uncertain significance (2). Last evaluated 2023-12-13.

Conditions:
HYPERHOMOCYSTEINEMIA, THROMBOTIC, CBS-RELATED. Identifiers: MedGen C3150344, OMIM 236200.

Submissions (2):

Labcorp Genetics (formerly Invitae), Labcorp
Classification: Uncertain significance for HYPERHOMOCYSTEINEMIA, THROMBOTIC, CBS-RELATED. Last evaluated: 2023-12-13. Review status: criteria provided, single submitter. Criteria: Invitae Variant Classification Sherloc (09022015). Collection method: clinical testing. Allele origin: germline.
Comment: This sequence change replaces glutamic acid, which is acidic and polar, with glycine, which is neutral and non-polar, at codon 213 of the CBS protein (p.Glu213Gly). This variant is present in population databases (no rsID available, gnomAD 0.0009%). This variant has not been reported in the literature in individuals affected with CBS-related conditions. Advanced modeling of protein sequence and biophysical properties (such as structural, functional, and spatial information, amino acid conservation, physicochemical variation, residue mobility, and thermodynamic stability) performed at Invitae indicates that this missense variant is expected to disrupt CBS protein function with a positive predictive value of 95%. In summary, the available evidence is currently insufficient to determine the role of this variant in disease. Therefore, it has been classified as a Variant of Uncertain Significance.

Blueprint Genetics
Classification: Uncertain significance. Last evaluated: 2021-09-15. Review status: criteria provided, single submitter. Criteria: ACMG Guidelines, 2015. Collection method: clinical testing. Allele origin: germline.